The following is an entry in ClinVar:

ClinVar aggregate classification (germline): Uncertain significance. Review status: criteria provided, multiple submitters, no conflicts (2 of 4 stars). 2 submissions from 2 submitters: Uncertain significance (2). Last evaluated 2023-05-16.

Allele frequency attached by ClinVar (database versions not stated): TOPMed below 0.00001; gnomAD 0.00001.

Submissions (2):

Labcorp Genetics (formerly Invitae), Labcorp
Classification: Uncertain significance. Last evaluated: 2023-05-16. Review status: criteria provided, single submitter. Criteria: Invitae Variant Classification Sherloc (09022015). Collection method: clinical testing. Allele origin: germline.
Comment: This sequence change replaces glutamic acid, which is acidic and polar, with lysine, which is basic and polar, at codon 481 of the KMT2B protein (p.Glu481Lys). This variant is not present in population databases (gnomAD no frequency). This variant has not been reported in the literature in individuals affected with KMT2B-related conditions. Advanced modeling of protein sequence and biophysical properties (such as structural, functional, and spatial information, amino acid conservation, physicochemical variation, residue mobility, and thermodynamic stability) performed at Invitae indicates that this missense variant is not expected to disrupt KMT2B protein function. In summary, the available evidence is currently insufficient to determine the role of this variant in disease. Therefore, it has been classified as a Variant of Uncertain Significance.

GeneDx
Classification: Uncertain significance. Last evaluated: 2023-01-18. Review status: criteria provided, single submitter. Criteria: GeneDx Variant Classification Process June 2021. Collection method: clinical testing. Allele origin: germline. Affected: yes.
Comment: Not observed at significant frequency in large population cohorts (gnomAD); In silico analysis supports that this missense variant does not alter protein structure/function; Has not been previously published as pathogenic or benign to our knowledge

NM_014727.3(KMT2B):c.1441G>A (p.Glu481Lys)

Gene: KMT2B (lysine methyltransferase 2B; plus strand). Cytogenetic location: 19q13.12.
Variant type: single nucleotide variant.
Coding change: c.1441G>A on transcript NM_014727.3 (MANE Select); coding-DNA position 1441, G replaced by A.
Protein change: p.Glu481Lys; replaces glutamic acid 481 with lysine.
Molecular consequence: missense variant.
Genome position (GRCh38, 1-based): chr19:35,720,788, G>A. VCF-style: chr19-35720788-G-A. GRCh37 (hg19) VCF-style: chr19-36211690-G-A.
Other names: short protein forms E481K.
Identifiers: ClinVar variation 2573746 (VCV002573746.4), dbSNP rs1969162643, ClinGen allele CA405391246.